The following is an entry in ClinVar:

ClinVar aggregate classification (germline): Uncertain significance. Review status: criteria provided, multiple submitters, no conflicts (2 of 4 stars). 2 submissions from 2 submitters: Uncertain significance (2). Last evaluated 2024-10-29.

Conditions:
DICER1-related tumor predisposition. Also called: DICER1-related pleuropulmonary blastoma cancer predisposition syndrome; DICER1 syndrome. Identifiers: Orphanet 284343, MedGen C3839822, MONDO:0100216.
Hereditary cancer-predisposing syndrome. Also called: Hereditary neoplastic syndrome; Neoplastic Syndromes, Hereditary; Tumor predisposition; Hereditary Cancer Syndrome. Identifiers: Orphanet 140162, MedGen C0027672, MeSH D009386, MONDO:0015356.

gnomAD v4.1: 4 of 1,613,966 alleles (0.00025%); highest among the groups gnomAD compares: Non-Finnish European, 0.00034%; no homozygotes.

Submissions (2):

Labcorp Genetics (formerly Invitae), Labcorp
Classification: Uncertain significance for DICER1-related tumor predisposition. Last evaluated: 2024-10-29. Review status: criteria provided, single submitter. Criteria: Invitae Variant Classification Sherloc (09022015). Collection method: clinical testing. Allele origin: germline.
Comment: This sequence change replaces arginine, which is basic and polar, with serine, which is neutral and polar, at codon 490 of the DICER1 protein (p.Arg490Ser). This variant is not present in population databases (gnomAD no frequency). This variant has not been reported in the literature in individuals affected with DICER1-related conditions. ClinVar contains an entry for this variant (Variation ID: 412192). Invitae Evidence Modeling of protein sequence and biophysical properties (such as structural, functional, and spatial information, amino acid conservation, physicochemical variation, residue mobility, and thermodynamic stability) indicates that this missense variant is not expected to disrupt DICER1 protein function with a negative predictive value of 95%. In summary, the available evidence is currently insufficient to determine the role of this variant in disease. Therefore, it has been classified as a Variant of Uncertain Significance.

Ambry Genetics
Classification: Uncertain significance for Hereditary cancer-predisposing syndrome. Last evaluated: 2021-09-07. Review status: criteria provided, single submitter. Criteria: Ambry Variant Classification Scheme 2023. Collection method: clinical testing. Allele origin: germline.
Comment: The p.R490S variant (also known as c.1468C>A), located in coding exon 8 of the DICER1 gene, results from a C to A substitution at nucleotide position 1468. The arginine at codon 490 is replaced by serine, an amino acid with dissimilar properties. This amino acid position is highly conserved in available vertebrate species. In addition, this alteration is predicted to be deleterious by in silico analysis. Since supporting evidence is limited at this time, the clinical significance of this alteration remains unclear.

NM_177438.3(DICER1):c.1468C>A (p.Arg490Ser)

Gene: DICER1 (dicer 1, ribonuclease III; minus strand). Cytogenetic location: 14q32.13.
Variant type: single nucleotide variant.
Coding change: c.1468C>A on transcript NM_177438.3 (MANE Select); coding-DNA position 1468, C replaced by A.
Protein change: p.Arg490Ser; replaces arginine 490 with serine.
Molecular consequence: missense variant.
Genome position (GRCh38, 1-based): chr14:95,117,663, G>T on the plus strand (C>A on the coding strand, the complement: DICER1 is on the minus strand). VCF-style: chr14-95117663-G-T. GRCh37 (hg19) VCF-style: chr14-95584000-G-T.
Other names: c.1468C>A, p.Arg490Ser (NM_001195573.1, NM_001271282.3, NM_001291628.2 and 1 more transcripts); short protein forms R490S.
Identifiers: ClinVar variation 412192 (VCV000412192.12), dbSNP rs777894117, ClinGen allele CA16614553.